The following is an entry in ClinVar:

ClinVar aggregate classification (germline): Uncertain significance (1 of 4 stars; one submission).

Conditions:
Cornelia de Lange syndrome 3 (CDLS3). Also called: SMC3-Related Cornelia de Lange Syndrome; CORNELIA DE LANGE SYNDROME 3 WITH OR WITHOUT MIDLINE BRAIN DEFECTS. Identifiers: Orphanet 199, MedGen C1853099, MONDO:0012555, OMIM 610759.

Submission:

Labcorp Genetics (formerly Invitae), Labcorp
Classification: Uncertain significance for Cornelia de Lange syndrome 3. Last evaluated: 2025-04-28. Review status: criteria provided, single submitter. Criteria: Invitae Variant Classification Sherloc (09022015). Collection method: clinical testing. Allele origin: germline.
Comment: This sequence change replaces proline, which is neutral and non-polar, with arginine, which is basic and polar, at codon 1177 of the SMC3 protein (p.Pro1177Arg). This variant is present in population databases (no rsID available, gnomAD 0.0009%). This variant has not been reported in the literature in individuals affected with SMC3-related conditions. ClinVar contains an entry for this variant (Variation ID: 2749565). Invitae Evidence Modeling of protein sequence and biophysical properties (such as structural, functional, and spatial information, amino acid conservation, physicochemical variation, residue mobility, and thermodynamic stability) has been performed for this missense variant. However, the output from this modeling did not meet the statistical confidence thresholds required to predict the impact of this variant on SMC3 protein function. In summary, the available evidence is currently insufficient to determine the role of this variant in disease. Therefore, it has been classified as a Variant of Uncertain Significance.

NM_005445.4(SMC3):c.3530C>G (p.Pro1177Arg)

Gene: SMC3 (structural maintenance of chromosomes 3; plus strand). Cytogenetic location: 10q25.2.
Variant type: single nucleotide variant.
Coding change: c.3530C>G on transcript NM_005445.4 (MANE Select); coding-DNA position 3530, C replaced by G.
Protein change: p.Pro1177Arg; replaces proline 1177 with arginine.
Molecular consequence: missense variant.
Genome position (GRCh38, 1-based): chr10:110,603,238, C>G. VCF-style: chr10-110603238-C-G. GRCh37 (hg19) VCF-style: chr10-112362996-C-G.
Other names: short protein forms P1177R.
Identifiers: ClinVar variation 2749565 (VCV002749565.3), dbSNP rs1314905542, ClinGen allele CA378395483.
Genomic context (GRCh38, chr10:110,603,238, plus strand): 5'-TTACAGATATGATTATGGAACTTGCTGTACATGCTCAGTTTATTACAACTACTTTTAGGC[C>G]TGAACTGCTTGAGTCAGCTGACAAATTCTATGGTGTAAAGTTCAGAAATAAGGTAATTTT-3'
Protein context (NP_005436.1, residues 1167-1187): HAQFITTTFR[Pro1177Arg]ELLESADKFY